The following is an entry in ClinVar:

ClinVar aggregate classification (germline): Conflicting classifications of pathogenicity. Review status: criteria provided, conflicting classifications (1 of 4 stars). 3 submissions from 3 submitters: Uncertain significance (2); Likely benign (1). Last evaluated 2026-05-11.

Conditions:
Cardiovascular phenotype. Identifiers: MedGen CN230736.

Allele frequency attached by ClinVar (database versions not stated): gnomAD 0.00013 and 0.00016; gnomAD exomes 0.00001; TOPMed 0.00014.
gnomAD v4.1: 29 of 1,550,192 alleles (0.0019%); highest among the groups gnomAD compares: African/African-American, 0.04%; no homozygotes.

Submissions (3):

Women's Health and Genetics/Laboratory Corporation of America, LabCorp
Classification: Uncertain significance. Last evaluated: 2026-05-11. Review status: criteria provided, single submitter. Criteria: LabCorp Variant Classification Summary - May 2015. Collection method: clinical testing. Allele origin: germline.

Ambry Genetics
Classification: Likely benign for Cardiovascular phenotype. Last evaluated: 2024-10-24. Review status: criteria provided, single submitter. Criteria: Ambry Variant Classification Scheme 2023. Collection method: clinical testing. Allele origin: germline.

Labcorp Genetics (formerly Invitae), Labcorp
Classification: Uncertain significance. Last evaluated: 2021-09-17. Review status: criteria provided, single submitter. Criteria: Invitae Variant Classification Sherloc (09022015). Collection method: clinical testing. Allele origin: germline.
Comment: This sequence change replaces proline with serine at codon 2324 of the ZNF469 protein (p.Pro2324Ser). The proline residue is weakly conserved and there is a moderate physicochemical difference between proline and serine. This variant is not present in population databases (ExAC no frequency). This variant has not been reported in the literature in individuals with ZNF469-related conditions. Algorithms developed to predict the effect of missense changes on protein structure and function output the following: SIFT: "Tolerated"; PolyPhen-2: "Benign"; Align-GVGD: "Class C0". The serine amino acid residue is found in multiple mammalian species, suggesting that this missense change does not adversely affect protein function. These predictions have not been confirmed by published functional studies and their clinical significance is uncertain. In summary, the available evidence is currently insufficient to determine the role of this variant in disease. Therefore, it has been classified as a Variant of Uncertain Significance.

NM_001367624.2(ZNF469):c.7054C>T (p.Pro2352Ser)

Gene: ZNF469 (zinc finger protein 469; plus strand). Cytogenetic location: 16q24.2.
Variant type: single nucleotide variant.
Coding change: c.7054C>T on transcript NM_001367624.2 (MANE Select); coding-DNA position 7054, C replaced by T.
Protein change: p.Pro2352Ser; replaces proline 2352 with serine.
Molecular consequence: missense variant.
Genome position (GRCh38, 1-based): chr16:88,434,524, C>T. VCF-style: chr16-88434524-C-T. GRCh37 (hg19) VCF-style: chr16-88500932-C-T.
Other names: NM_001127464.1:c.6970C>T; short protein forms P2352S.
Identifiers: ClinVar variation 1433967 (VCV001433967.7), dbSNP rs1017789243, ClinGen allele CA286382272.